The following is an entry in ClinVar:

NM_003919.3(SGCE):c.406A>G (p.Arg136Gly)

Genes: CASD1 (CAS1 domain sialic acid O acetyltransferase 1; plus strand), SGCE (sarcoglycan epsilon; minus strand). Cytogenetic location: 7q21.3.
Variant type: single nucleotide variant.
Coding change: c.406A>G on transcript NM_003919.3 (MANE Select); coding-DNA position 406, A replaced by G.
Protein change: p.Arg136Gly; replaces arginine 136 with glycine.
Molecular consequence: missense variant.
Genome position (GRCh38, 1-based): chr7:94,623,382, T>C on the plus strand (A>G on the coding strand, the complement: SGCE is on the minus strand). VCF-style: chr7-94623382-T-C. GRCh37 (hg19) VCF-style: chr7-94252694-T-C.
Other names: c.406A>G, p.Arg136Gly (NM_001099400.2, NM_001099401.2, NM_001346717.2); c.283A>G, p.Arg95Gly (NM_001301139.2, NM_001362809.2); c.514A>G, p.Arg172Gly (NM_001346713.2, NM_001346715.2); c.319A>G, p.Arg107Gly (NM_001346719.2, NM_001362807.2); c.133A>G, p.Arg45Gly (NM_001346720.2, NM_001362808.2); short protein forms R172G, R136G, R107G, R95G, R45G.
Identifiers: ClinVar variation 4795220 (VCV004795220.1).

ClinVar aggregate classification (germline): Likely pathogenic (1 of 4 stars; one submission).

Conditions:
Myoclonic dystonia 11 (DYT11). Also called: DYT-SGCE; Myoclonic dystonia; Dystonia 11; Dystonia, alcohol responsive; Hereditary essential myoclonus; SGCE Myoclonus-Dystonia. Identifiers: Orphanet 36899, MedGen C1834570, MONDO:0008044, OMIM 159900.

Submission:

Popescu Lab, Clinic Victor Pauchet
Classification: Likely pathogenic for Myoclonic dystonia 11. Last evaluated: 2023-08-11. Review status: criteria provided, single submitter. Criteria: ACMG Guidelines, 2015. Collection method: provider interpretation. Allele origin: germline. Inheritance: Autosomal dominant inheritance with maternal imprinting. Affected: yes. Observed: 3 variant alleles. Clinical features observed: Limb myoclonus (HP:0045084), Dystonic disorder (HP:0001332), Myoclonus (HP:0001336), Compulsive behaviors (HP:0000722).
Comment: The SGCE variant NM_001346713.1:c.406T>G is a heterozygous missense variant affecting the epsilon-sarcoglycan protein. The SGCE gene is associated with autosomal dominant myoclonus-dystonia, with disease expression dependent on paternal inheritance due to genomic imprinting. This variant is absent or extremely rare in large population databases, including gnomAD, supporting rarity consistent with a disease-associated variant (PM2). In silico prediction tools (including SIFT, PolyPhen-2, CADD, and MutationTaster) predict a deleterious effect on protein function, and the affected amino acid residue is conserved across species (PP3). The variant was identified by trio-based whole exome sequencing in three affected individuals from a large French family. The variant segregates with disease within the family, providing supporting evidence for pathogenicity (PP1_supporting). The clinical presentations of the affected individuals are consistent with SGCE-associated myoclonus-dystonia (PP4). Although no functional studies have been reported for this specific variant, the combined evidence supports a classification of Likely Pathogenic. ACMG/AMP criteria applied: PM2, PP3, PP1_supporting, PP4